The following is an entry in ClinVar:

NM_032603.5(LOXL3):c.923G>C (p.Arg308Pro)

Gene: LOXL3 (lysyl oxidase like 3; minus strand). Cytogenetic location: 2p13.1.
Variant type: single nucleotide variant.
Coding change: c.923G>C on transcript NM_032603.5 (MANE Select); coding-DNA position 923, G replaced by C.
Protein change: p.Arg308Pro; replaces arginine 308 with proline.
Molecular consequence: missense variant. On other transcripts: 5 prime UTR variant (1).
Genome position (GRCh38, 1-based): chr2:74,536,461, C>G on the plus strand (G>C on the coding strand, the complement: LOXL3 is on the minus strand). VCF-style: chr2-74536461-C-G. GRCh37 (hg19) VCF-style: chr2-74763588-C-G.
Other names: c.488G>C, p.Arg163Pro (NM_001289164.3); c.-161G>C (NM_001289165.2); short protein forms R163P, R308P.
Identifiers: ClinVar variation 1717703 (VCV001717703.5), dbSNP rs1315777875, ClinGen allele CA347390590.

ClinVar aggregate classification (germline): Uncertain significance (1 of 4 stars; one submission).

Submission:

Labcorp Genetics (formerly Invitae), Labcorp
Classification: Uncertain significance. Last evaluated: 2024-11-18. Review status: criteria provided, single submitter. Criteria: Invitae Variant Classification Sherloc (09022015). Collection method: clinical testing. Allele origin: germline.
Comment: This sequence change replaces arginine, which is basic and polar, with proline, which is neutral and non-polar, at codon 308 of the LOXL3 protein (p.Arg308Pro). This variant is not present in population databases (gnomAD no frequency). This variant has not been reported in the literature in individuals affected with LOXL3-related conditions. ClinVar contains an entry for this variant (Variation ID: 1717703). An algorithm developed to predict the effect of missense changes on protein structure and function (PolyPhen-2) suggests that this variant is likely to be disruptive. In summary, the available evidence is currently insufficient to determine the role of this variant in disease. Therefore, it has been classified as a Variant of Uncertain Significance.